The following is an entry in ClinVar:

NM_006031.6(PCNT):c.5074G>C (p.Val1692Leu)

Gene: PCNT (pericentrin; plus strand). Cytogenetic location: 21q22.3.
Variant type: single nucleotide variant.
Coding change: c.5074G>C on transcript NM_006031.6 (MANE Select); coding-DNA position 5074, G replaced by C.
Protein change: p.Val1692Leu; replaces valine 1692 with leucine.
Molecular consequence: missense variant.
Genome position (GRCh38, 1-based): chr21:46,402,442, G>C. VCF-style: chr21-46402442-G-C. GRCh37 (hg19) VCF-style: chr21-47822356-G-C.
Other names: c.4720G>C, p.Val1574Leu (NM_001315529.2); short protein forms V1574L, V1692L.
Identifiers: ClinVar variation 3047326 (VCV003047326.3), dbSNP rs113342730, ClinGen allele CA10079872.

ClinVar aggregate classification (germline): Uncertain significance (1 of 4 stars; one submission).

Conditions:
PCNT-related disorder. Also called: PCNT-related condition.

gnomAD v4.1: 165 of 1,614,114 alleles (0.01%); highest among the groups gnomAD compares: Non-Finnish European, 0.013%; 1 homozygote.

Submission:

PreventionGenetics, part of Exact Sciences
Classification: Uncertain significance for PCNT-related condition. Last evaluated: 2025-09-09. Review status: criteria provided, single submitter. Criteria: ACMG Guidelines, 2015. Collection method: clinical testing. Allele origin: germline.
Comment: The PCNT c.5074G>C variant is predicted to result in the amino acid substitution p.Val1692Leu. To our knowledge, this variant has not been reported in the literature. This variant is reported in 0.011% of alleles in individuals of Latino descent in gnomAD. At this time, the clinical significance of this variant is uncertain due to the absence of conclusive functional and genetic evidence.